The following is an entry in ClinVar:

NM_000179.3(MSH6):c.2103A>G (p.Leu701=)

Gene: MSH6 (mutS homolog 6; plus strand). Cytogenetic location: 2p16.3.
Variant type: single nucleotide variant.
Coding change: c.2103A>G on transcript NM_000179.3 (MANE Select); coding-DNA position 2103, A replaced by G.
Protein change: p.Leu701=; no amino-acid change (leucine 701 retained).
Molecular consequence: synonymous variant.
Genome position (GRCh38, 1-based): chr2:47,800,086, A>G. VCF-style: chr2-47800086-A-G. GRCh37 (hg19) VCF-style: chr2-48027225-A-G.
Other names: c.1713A>G, p.Leu571= (NM_001281492.2); c.1197A>G, p.Leu399= (NM_001281493.2, NM_001281494.2).
Identifiers: ClinVar variation 416134 (VCV000416134.26), dbSNP rs764244124, ClinGen allele CA068463.
Genomic context (GRCh38, chr2:47,800,086, plus strand): 5'-CTCTGCTCTAGGTGGTTGTGTCTTCTACCTCAAAAAATGCCTTATTGATCAGGAGCTTTT[A>G]TCAATGGCTAATTTTGAAGAATATATTCCCTTGGATTCTGACACAGTCAGCACTACAAGA-3'
Protein context (NP_000170.1, residues 691-711): LKKCLIDQEL[Leu701=]SMANFEEYIP

ClinVar aggregate classification (germline): Benign/Likely benign. Review status: criteria provided, multiple submitters, no conflicts (2 of 4 stars). 9 submissions from 9 submitters: Benign (2); Likely benign (7). Last evaluated 2026-01-27.

Conditions:
Lynch syndrome 5 (LYNCH5). Also called: Colorectal cancer, hereditary nonpolyposis, type 5; Hereditary non-polyposis colorectal cancer, type 5. Identifiers: Orphanet 144, MedGen C1833477, MONDO:0013710, OMIM 614350. Disease mechanism: loss of function.
Hereditary cancer-predisposing syndrome. Also called: Tumor predisposition; Neoplastic Syndromes, Hereditary; Hereditary neoplastic syndrome; Hereditary Cancer Syndrome. Identifiers: Orphanet 140162, MedGen C0027672, MeSH D009386, MONDO:0015356.
Hereditary nonpolyposis colorectal neoplasms. Identifiers: MedGen C0009405, MeSH D003123.
Lynch syndrome. Identifiers: Orphanet 144, MedGen C4552100, MONDO:0005835. Disease mechanism: loss of function.

Allele frequency attached by ClinVar (database versions not stated): gnomAD 0.00001; gnomAD exomes 0.00001; ExAC 0.00002.
gnomAD v4.1: 24 of 1,614,076 alleles (0.0015%); highest among the groups gnomAD compares: Middle Eastern, 0.016%; no homozygotes.

Submissions (9):

Labcorp Genetics (formerly Invitae), Labcorp
Classification: Likely benign for Hereditary nonpolyposis colorectal neoplasms. Last evaluated: 2026-01-27. Review status: criteria provided, single submitter. Criteria: Invitae Variant Classification Sherloc (09022015). Collection method: clinical testing. Allele origin: germline.

Myriad Genetics, Inc.
Classification: Benign for Lynch syndrome 5. Last evaluated: 2024-12-30. Review status: criteria provided, single submitter. Criteria: Myriad Autosomal Dominant, Autosomal Recessive and X-Linked Classification Criteria (2023). Collection method: clinical testing. Allele origin: unknown.
Comment: This variant is considered benign. This variant is a silent/synonymous amino acid change and it is not expected to impact splicing.

Quest Diagnostics Nichols Institute San Juan Capistrano
Classification: Likely benign. Last evaluated: 2024-12-25. Review status: criteria provided, single submitter. Criteria: Quest Diagnostics criteria. Collection method: clinical testing. Allele origin: unknown.

Women's Health and Genetics/Laboratory Corporation of America, LabCorp
Classification: Likely benign. Last evaluated: 2024-08-17. Review status: criteria provided, single submitter. Criteria: LabCorp Variant Classification Summary - May 2015. Collection method: clinical testing. Allele origin: germline.

All of Us Research Program, National Institutes of Health
Classification: Likely benign for Lynch syndrome. Last evaluated: 2024-04-16. Review status: criteria provided, single submitter. Criteria: ACMG Guidelines, 2015. Collection method: clinical testing. Allele origin: germline. Inheritance: Autosomal dominant inheritance. Observed: 2 variant alleles, 2 heterozygotes.
Comment: This study involves interpretation of variants in research participants for the purpose of population health screening. Participant phenotype was not available at the time of variant classification. Additional details can be found in publication PMID: 35346344, PMCID: PMC8962531

KCCC/NGS Laboratory, Kuwait Cancer Control Center
Classification: Likely benign for Lynch syndrome 5. Last evaluated: 2023-07-07. Review status: criteria provided, single submitter. Criteria: ACMG Guidelines, 2015. Collection method: clinical testing. Allele origin: germline. Affected: yes.

Color Diagnostics, LLC DBA Color Health
Classification: Likely benign for Hereditary cancer-predisposing syndrome. Last evaluated: 2017-03-23. Review status: criteria provided, single submitter. Criteria: ACMG Guidelines, 2015. Collection method: clinical testing. Allele origin: germline.

Ambry Genetics
Classification: Likely benign for Hereditary cancer-predisposing syndrome. Last evaluated: 2016-01-25. Review status: criteria provided, single submitter. Criteria: Ambry Variant Classification Scheme 2023. Collection method: clinical testing. Allele origin: germline.

GeneDx
Classification: Benign. Last evaluated: 2015-03-03. Review status: criteria provided, single submitter. Criteria: GeneDx Variant Classification Process June 2021. Collection method: clinical testing. Allele origin: germline. Affected: yes.